The following is an entry in ClinVar:

NM_001347721.2(DYRK1A):c.2046C>G (p.Asp682Glu)

Gene: DYRK1A (dual specificity tyrosine phosphorylation regulated kinase 1A; plus strand). Cytogenetic location: 21q22.13.
Variant type: single nucleotide variant.
Coding change: c.2046C>G on transcript NM_001347721.2 (MANE Select); coding-DNA position 2046, C replaced by G.
Protein change: p.Asp682Glu; replaces aspartic acid 682 with glutamic acid.
Molecular consequence: missense variant. On other transcripts: 3 prime UTR variant (2).
Genome position (GRCh38, 1-based): chr21:37,512,312, C>G. VCF-style: chr21-37512312-C-G. GRCh37 (hg19) VCF-style: chr21-38884615-C-G.
Other names: c.2046C>G, p.Asp682Glu (NM_001347722.2, NM_130436.2); c.1959C>G, p.Asp653Glu (NM_001347723.2); c.2073C>G, p.Asp691Glu (NM_001396.5); c.*449C>G (NM_101395.2); c.*358C>G (NM_130438.2); short protein forms D653E, D682E, D691E.
Identifiers: ClinVar variation 1023280 (VCV001023280.10), dbSNP rs1454442286, ClinGen allele CA409940415.

ClinVar aggregate classification (germline): Conflicting classifications of pathogenicity. Review status: criteria provided, conflicting classifications (1 of 4 stars). 2 submissions from 2 submitters: Uncertain significance (1); Likely benign (1). Last evaluated 2024-10-24.

Conditions:
DYRK1A-related intellectual disability syndrome (MRD7). Also called: Intellectual developmental disorder, autosomal dominant 7; DYRK1A Syndrome. Identifiers: Orphanet 464306, MedGen C5568143, MONDO:0013578, OMIM 614104.

Allele frequency attached by ClinVar (database versions not stated): TOPMed 0.00002.

Submissions (2):

Labcorp Genetics (formerly Invitae), Labcorp
Classification: Likely benign for DYRK1A-related intellectual disability syndrome. Last evaluated: 2024-10-24. Review status: criteria provided, single submitter. Criteria: Invitae Variant Classification Sherloc (09022015). Collection method: clinical testing. Allele origin: germline.

GeneDx
Classification: Uncertain significance. Last evaluated: 2022-02-22. Review status: criteria provided, single submitter. Criteria: GeneDx Variant Classification Process June 2021. Collection method: clinical testing. Allele origin: germline. Affected: yes.
Comment: Not observed at significant frequency in large population cohorts (gnomAD); In silico analysis supports that this missense variant does not alter protein structure/function; Has not been previously published as pathogenic or benign to our knowledge